The following is an entry in ClinVar:

ClinVar aggregate classification (germline): Uncertain significance (1 of 4 stars; one submission).

Allele frequency attached by ClinVar (database versions not stated): gnomAD exomes below 0.00001.
gnomAD v4.1: 1 of 1,586,748 alleles (0.000063%); highest among the groups gnomAD compares: Non-Finnish European, 0.000086%; no homozygotes.

Submission:

Labcorp Genetics (formerly Invitae), Labcorp
Classification: Uncertain significance. Last evaluated: 2022-07-17. Review status: criteria provided, single submitter. Criteria: Invitae Variant Classification Sherloc (09022015). Collection method: clinical testing. Allele origin: germline.
Comment: In summary, the available evidence is currently insufficient to determine the role of this variant in disease. Therefore, it has been classified as a Variant of Uncertain Significance. Variants that disrupt the consensus splice site are a relatively common cause of aberrant splicing (PMID: 17576681, 9536098). Algorithms developed to predict the effect of sequence changes on RNA splicing suggest that this variant may disrupt the consensus splice site. This variant has not been reported in the literature in individuals affected with MYH7B-related conditions. This variant is not present in population databases (gnomAD no frequency). This sequence change falls in intron 14 of the MYH7B gene. It does not directly change the encoded amino acid sequence of the MYH7B protein. It affects a nucleotide within the consensus splice site.

Literature cited by the submitters: PubMed 17576681; PubMed 9536098.

NM_020884.7(MYH7B):c.904+3G>A

Gene: MYH7B (myosin heavy chain 7B; plus strand). Cytogenetic location: 20q11.22.
Variant type: single nucleotide variant.
Coding change: c.904+3G>A on transcript NM_020884.7 (MANE Select); 3 bases into the intron after coding-DNA position 904, G replaced by A.
Molecular consequence: intron variant.
Genome position (GRCh38, 1-based): chr20:34,986,201, G>A. VCF-style: chr20-34986201-G-A. GRCh37 (hg19) VCF-style: chr20-33574004-G-A.
Identifiers: ClinVar variation 1961650 (VCV001961650.5), dbSNP rs2519139273, ClinGen allele CA2577490369.